The following is an entry in ClinVar:

NM_004364.5(CEBPA):c.104G>C (p.Arg35Pro)

Gene: CEBPA (CCAAT enhancer binding protein alpha; minus strand). Cytogenetic location: 19q13.11.
Variant type: single nucleotide variant.
Coding change: c.104G>C on transcript NM_004364.5 (MANE Select); coding-DNA position 104, G replaced by C.
Protein change: p.Arg35Pro; replaces arginine 35 with proline.
Molecular consequence: missense variant. On other transcripts: 5 prime UTR variant (1).
Genome position (GRCh38, 1-based): chr19:33,302,311, C>G on the plus strand (G>C on the coding strand, the complement: CEBPA is on the minus strand). VCF-style: chr19-33302311-C-G. GRCh37 (hg19) VCF-style: chr19-33793217-C-G.
Other names: c.-254G>C (NM_001285829.2); c.209G>C, p.Arg70Pro (NM_001287424.2); c.62G>C, p.Arg21Pro (NM_001287435.2); short protein forms R70P, R35P, R21P.
Identifiers: ClinVar variation 3999987 (VCV003999987.1).

ClinVar aggregate classification (germline): Uncertain significance (1 of 4 stars; one submission).

Conditions:
Inborn genetic diseases. Identifiers: MedGen C0950123, MeSH D030342.

Submission:

Ambry Genetics
Classification: Uncertain significance for Inborn genetic diseases. Last evaluated: 2025-04-05. Review status: criteria provided, single submitter. Criteria: Ambry Variant Classification Scheme 2023. Collection method: clinical testing. Allele origin: germline.
Comment: The p.R35P variant (also known as c.104G>C), located in coding exon 1 of the CEBPA gene, results from a G to C substitution at nucleotide position 104. The arginine at codon 35 is replaced by proline, an amino acid with dissimilar properties. This amino acid position is conserved. In addition, this alteration is predicted to be tolerated by in silico analysis. Based on the available evidence, the clinical significance of this variant remains unclear.